The following is an entry in ClinVar:

ClinVar aggregate classification (germline): Uncertain significance (1 of 4 stars; one submission).

Submission:

Labcorp Genetics (formerly Invitae), Labcorp
Classification: Uncertain significance. Last evaluated: 2021-06-28. Review status: criteria provided, single submitter. Criteria: Invitae Variant Classification Sherloc (09022015). Collection method: clinical testing. Allele origin: germline.
Comment: In summary, the available evidence is currently insufficient to determine the role of this variant in disease. Therefore, it has been classified as a Variant of Uncertain Significance. This sequence change falls in intron 7 of the SRP54 gene. It does not directly change the encoded amino acid sequence of the SRP54 protein. It affects a nucleotide within the consensus splice site of the intron. This variant is not present in population databases (ExAC no frequency). This variant has not been reported in the literature in individuals with SRP54-related conditions. Nucleotide substitutions within the consensus splice site are a relatively common cause of aberrant splicing (PMID: 17576681, 9536098). Algorithms developed to predict the effect of sequence changes on RNA splicing suggest that this variant may disrupt the consensus splice site, but this prediction has not been confirmed by published transcriptional studies.

Literature cited by the submitters: PubMed 17576681; PubMed 9536098.

NM_003136.4(SRP54):c.485+5G>T

Gene: SRP54 (signal recognition particle 54; plus strand). Cytogenetic location: 14q13.2.
Variant type: single nucleotide variant.
Coding change: c.485+5G>T on transcript NM_003136.4 (MANE Select); 5 bases into the intron after coding-DNA position 485, G replaced by T.
Molecular consequence: intron variant.
Genome position (GRCh38, 1-based): chr14:35,008,836, G>T. VCF-style: chr14-35008836-G-T. GRCh37 (hg19) VCF-style: chr14-35478042-G-T.
Other names: c.338+5G>T (NM_001146282.2).
Identifiers: ClinVar variation 1364157 (VCV001364157.6), dbSNP rs2138999348, ClinGen allele CA2573149881.